The following is an entry in ClinVar:

NM_003590.5(CUL3):c.254T>C (p.Leu85Pro)

Gene: CUL3 (cullin 3; minus strand). Cytogenetic location: 2q36.2.
Variant type: single nucleotide variant.
Coding change: c.254T>C on transcript NM_003590.5 (MANE Select); coding-DNA position 254, T replaced by C.
Protein change: p.Leu85Pro; replaces leucine 85 with proline.
Molecular consequence: missense variant. On other transcripts: intron variant (1).
Genome position (GRCh38, 1-based): chr2:224,557,669, A>G on the plus strand (T>C on the coding strand, the complement: CUL3 is on the minus strand). VCF-style: chr2-224557669-A-G. GRCh37 (hg19) VCF-style: chr2-225422386-A-G.
Other names: c.272T>C, p.Leu91Pro (NM_001257198.2); c.67-22028T>C (NM_001257197.2); short protein forms L85P, L91P.
Identifiers: ClinVar variation 2802301 (VCV002802301.3), dbSNP rs2106304068, ClinGen allele CA351130612.

ClinVar aggregate classification (germline): Pathogenic (1 of 4 stars; one submission).

Submission:

Labcorp Genetics (formerly Invitae), Labcorp
Classification: Pathogenic. Last evaluated: 2023-02-08. Review status: criteria provided, single submitter. Criteria: Invitae Variant Classification Sherloc (09022015). Collection method: clinical testing. Allele origin: germline.
Comment: For these reasons, this variant has been classified as Pathogenic. Advanced modeling of protein sequence and biophysical properties (such as structural, functional, and spatial information, amino acid conservation, physicochemical variation, residue mobility, and thermodynamic stability) performed at Invitae indicates that this missense variant is expected to disrupt CUL3 protein function. This missense change has been observed in individual(s) with clinical features of neurodevelopmental condition (Invitae). In at least one individual the variant was observed to be de novo. This variant is not present in population databases (gnomAD no frequency). This sequence change replaces leucine, which is neutral and non-polar, with proline, which is neutral and non-polar, at codon 85 of the CUL3 protein (p.Leu85Pro).